The following is an entry in ClinVar:

NM_138694.4(PKHD1):c.3744G>A (p.Trp1248Ter)

Gene: PKHD1 (PKHD1 ciliary IPT domain containing fibrocystin/polyductin; minus strand). Cytogenetic location: 6p12.2.
Variant type: single nucleotide variant.
Coding change: c.3744G>A on transcript NM_138694.4 (MANE Select); coding-DNA position 3744, G replaced by A.
Protein change: p.Trp1248Ter; replaces tryptophan 1248 with a stop codon.
Molecular consequence: nonsense.
Genome position (GRCh38, 1-based): chr6:52,026,066, C>T on the plus strand (G>A on the coding strand, the complement: PKHD1 is on the minus strand). VCF-style: chr6-52026066-C-T. GRCh37 (hg19) VCF-style: chr6-51890864-C-T.
Other names: c.3744G>A (NM_138694.3); c.3744G>A, p.Trp1248Ter (NM_170724.3); short protein forms W1248*.
Identifiers: ClinVar variation 3006149 (VCV003006149.4), dbSNP rs2532740167, ClinGen allele CA364438026.

ClinVar aggregate classification (germline): Pathogenic/Likely pathogenic. Review status: criteria provided, multiple submitters, no conflicts (2 of 4 stars). 2 submissions from 2 submitters: Pathogenic (1); Likely pathogenic (1). Last evaluated 2025-10-01.

Conditions:
Autosomal recessive polycystic kidney disease (ARPKD). Also called: AR polycystic kidney disease. Identifiers: Orphanet 731, Orphanet 8378, MedGen C0085548, MeSH D017044, MONDO:0009889.

Allele frequency attached by ClinVar (database versions not stated): gnomAD exomes below 0.00001.
gnomAD v4.1: 1 of 1,614,150 alleles (0.000062%); highest among the groups gnomAD compares: Non-Finnish European, 0.000085%; no homozygotes.

Submissions (2):

Natera, Inc.
Classification: Likely pathogenic for Autosomal recessive polycystic kidney disease. Last evaluated: 2025-10-01. Review status: criteria provided, single submitter. Criteria: Natera Variant Classification Schema (03/2026). Collection method: clinical testing. Allele origin: germline.
Comment: The c.3744G>A variant in PKHD1 is a nonsense variant predicted to introduce a stop codon at amino acid 1248. This variant is expected to result in nonsense mediated decay, truncation, or a dysfunctional protein product. This variant is rare in the general population with a frequency below the threshold expected for the associated phenotype(s). Given the available evidence, this variant is classified as Likely Pathogenic.

Labcorp Genetics (formerly Invitae), Labcorp
Classification: Pathogenic for Autosomal recessive polycystic kidney disease. Last evaluated: 2023-06-20. Review status: criteria provided, single submitter. Criteria: Invitae Variant Classification Sherloc (09022015). Collection method: clinical testing. Allele origin: germline.
Comment: This sequence change creates a premature translational stop signal (p.Trp1248*) in the PKHD1 gene. It is expected to result in an absent or disrupted protein product. Loss-of-function variants in PKHD1 are known to be pathogenic (PMID: 19940839). This variant is not present in population databases (gnomAD no frequency). This variant has not been reported in the literature in individuals affected with PKHD1-related conditions. For these reasons, this variant has been classified as Pathogenic.

Literature cited by the submitters: PubMed 19940839 (cited by Labcorp Genetics (formerly Invitae), Labcorp).